The following is an entry in ClinVar:

ClinVar aggregate classification (germline): Uncertain significance (1 of 4 stars; one submission).

Submission:

Ambry Genetics
Classification: Uncertain significance. Last evaluated: 2024-04-24. Review status: criteria provided, single submitter. Criteria: Ambry Variant Classification Scheme 2023. Collection method: clinical testing. Allele origin: germline.
Comment: The p.K151N variant (also known as c.453G>C), located in coding exon 6 of the RAD54L gene, results from a G to C substitution at nucleotide position 453. The lysine at codon 151 is replaced by asparagine, an amino acid with similar properties. This amino acid position is conserved. In addition, this alteration is predicted to be tolerated by in silico analysis. Based on the available evidence, the clinical significance of this variant remains unclear.

NM_003579.4(RAD54L):c.453G>C (p.Lys151Asn)

Gene: RAD54L (RAD54 like; plus strand). Cytogenetic location: 1p34.1.
Variant type: single nucleotide variant.
Coding change: c.453G>C on transcript NM_003579.4 (MANE Select); coding-DNA position 453, G replaced by C.
Protein change: p.Lys151Asn; replaces lysine 151 with asparagine.
Molecular consequence: missense variant. On other transcripts: 5 prime UTR variant (1).
Genome position (GRCh38, 1-based): chr1:46,260,587, G>C. VCF-style: chr1-46260587-G-C. GRCh37 (hg19) VCF-style: chr1-46726259-G-C.
Other names: c.453G>C, p.Lys151Asn (NM_001142548.2); c.-88G>C (NM_001370766.1); short protein forms K151N.
Identifiers: ClinVar variation 3312462 (VCV003312462.1).